The following is an entry in ClinVar:

NM_000069.3(CACNA1S):c.2509A>G (p.Ile837Val)

Gene: CACNA1S (calcium voltage-gated channel subunit alpha1 S; minus strand). Cytogenetic location: 1q32.1.
Variant type: single nucleotide variant.
Coding change: c.2509A>G on transcript NM_000069.3 (MANE Select); coding-DNA position 2509, A replaced by G.
Protein change: p.Ile837Val; replaces isoleucine 837 with valine.
Molecular consequence: missense variant.
Genome position (GRCh38, 1-based): chr1:201,069,178, T>C on the plus strand (A>G on the coding strand, the complement: CACNA1S is on the minus strand). VCF-style: chr1-201069178-T-C. GRCh37 (hg19) VCF-style: chr1-201038306-T-C.
Other names: short protein forms I837V.
Identifiers: ClinVar variation 3070146 (VCV003070146.2), dbSNP rs2464534087, ClinGen allele CA344105988.

ClinVar aggregate classification (germline): Uncertain significance. Review status: criteria provided, multiple submitters, no conflicts (2 of 4 stars). 2 submissions from 2 submitters: Uncertain significance (2). Last evaluated 2025-07-14.

Conditions:
Malignant hyperthermia, susceptibility to, 5 (MHS5). Also called: CACNA1S-Related Malignant Hyperthermia Susceptibility. Identifiers: Orphanet 423, MedGen C1866077, MONDO:0011163, OMIM 601887.

Allele frequency attached by ClinVar (database versions not stated): gnomAD exomes below 0.00001.
gnomAD v4.1: 8 of 1,614,100 alleles (0.0005%); highest among the groups gnomAD compares: African/African-American, 0.0013%; no homozygotes.

Submissions (2):

Color Diagnostics, LLC DBA Color Health
Classification: Uncertain significance for Malignant hyperthermia, susceptibility to, 5. Last evaluated: 2025-07-14. Review status: criteria provided, single submitter. Criteria: ACMG Guidelines, 2015. Collection method: clinical testing. Allele origin: germline.
Comment: This missense variant replaces isoleucine with valine at codon 837 of the CACNA1S protein. Computational prediction suggests that this variant may not impact protein structure and function. To our knowledge, functional studies have not been reported for this variant. This variant has not been reported in individuals affected with CACNA1S-related disorders in the literature. This variant has not been identified in the general population by the Genome Aggregation Database (gnomAD). The available evidence is insufficient to determine the role of this variant in disease conclusively. Therefore, this variant is classified as a Variant of Uncertain Significance.

All of Us Research Program, National Institutes of Health
Classification: Uncertain significance for Malignant hyperthermia, susceptibility to, 5. Last evaluated: 2023-08-15. Review status: criteria provided, single submitter. Criteria: ACMG Guidelines, 2015. Collection method: clinical testing. Allele origin: germline. Inheritance: Autosomal dominant inheritance. Observed: 3 variant alleles, 3 heterozygotes.
Comment: This missense variant replaces isoleucine with valine at codon 837 of the CACNA1S protein. Computational prediction suggests that this variant may not impact protein structure and function (internally defined REVEL score threshold <= 0.5, PMID: 27666373). To our knowledge, functional studies have not been reported for this variant. This variant has not been reported in individuals affected with CACNA1S-related disorders in the literature. This variant has not been identified in the general population by the Genome Aggregation Database (gnomAD). The available evidence is insufficient to determine the role of this variant in disease conclusively. Therefore, this variant is classified as a Variant of Uncertain Significance.

This study involves interpretation of variants in research participants for the purpose of population health screening. Participant phenotype was not available at the time of variant classification. Additional details can be found in publication PMID: 35346344, PMCID: PMC8962531